The following is an entry in ClinVar:

ClinVar aggregate classification (germline): Uncertain significance (1 of 4 stars; one submission).

Conditions:
Primary ciliary dyskinesia. Also called: Ciliary dyskinesia. Identifiers: Orphanet 244, MedGen C0008780, MONDO:0016575, HP:0012265.

Submission:

Labcorp Genetics (formerly Invitae), Labcorp
Classification: Uncertain significance for Primary ciliary dyskinesia. Last evaluated: 2025-06-29. Review status: criteria provided, single submitter. Criteria: Invitae Variant Classification Sherloc (09022015). Collection method: clinical testing. Allele origin: germline.
Comment: This sequence change replaces phenylalanine, which is neutral and non-polar, with valine, which is neutral and non-polar, at codon 944 of the DNAH11 protein (p.Phe944Val). This variant is not present in population databases (gnomAD no frequency). This variant has not been reported in the literature in individuals affected with DNAH11-related conditions. Invitae Evidence Modeling of protein sequence and biophysical properties (such as structural, functional, and spatial information, amino acid conservation, physicochemical variation, residue mobility, and thermodynamic stability) indicates that this missense variant is not expected to disrupt DNAH11 protein function with a negative predictive value of 95%. In summary, the available evidence is currently insufficient to determine the role of this variant in disease. Therefore, it has been classified as a Variant of Uncertain Significance.

NM_001277115.2(DNAH11):c.2830T>G (p.Phe944Val)

Gene: DNAH11 (dynein axonemal heavy chain 11; plus strand). Cytogenetic location: 7p15.3.
Variant type: single nucleotide variant.
Coding change: c.2830T>G on transcript NM_001277115.2 (MANE Select); coding-DNA position 2830, T replaced by G.
Protein change: p.Phe944Val; replaces phenylalanine 944 with valine.
Molecular consequence: missense variant.
Genome position (GRCh38, 1-based): chr7:21,599,949, T>G. VCF-style: chr7-21599949-T-G. GRCh37 (hg19) VCF-style: chr7-21639567-T-G.
Other names: short protein forms F944V.
Identifiers: ClinVar variation 4808552 (VCV004808552.1).